The following is an entry in ClinVar:

ClinVar aggregate classification (germline): Likely pathogenic (1 of 4 stars; one submission).

Conditions:
Charlevoix-Saguenay spastic ataxia (SACS). Also called: AUTOSOMAL RECESSIVE SPASTIC ATAXIA OF CHARLEVOIX-SAGUENAY; Spastic ataxia of Charlevoix-Saguenay; SPASTIC ATAXIA 6, AUTOSOMAL RECESSIVE. Identifiers: Orphanet 98, MedGen C1849140, MONDO:0010041, OMIM 270550.

Submission:

3billion
Classification: Likely pathogenic for Charlevoix-Saguenay spastic ataxia. Last evaluated: 2021-10-02. Review status: criteria provided, single submitter. Criteria: ACMG Guidelines, 2015. Collection method: clinical testing. Allele origin: unknown. Affected: yes. Observed: 1 heterozygote.
Comment: Stop-gained (nonsense): predicted to result in a loss or disruption of normal protein function through nonsense-mediated decay (NMD) or protein truncation. Multiple pathogenic variants are reported downstream of the variant (PVS1_VS). It is not observed in the gnomAD v2.1.1 dataset (PM2). Therefore, this variant is classified as likely pathogenic according to the recommendation of ACMG/AMP guideline.

NM_014363.6(SACS):c.3159_3160del (p.Leu1053_Phe1054insTer)

Gene: SACS (sacsin molecular chaperone; minus strand). Cytogenetic location: 13q12.12.
Variant type: Microsatellite.
Coding change: c.3159_3160del on transcript NM_014363.6 (MANE Select); coding-DNA positions 3159 to 3160, 2 bases deleted (CT; older notation c.3159_3160delCT).
Protein change: p.Leu1053_Phe1054insTer.
Molecular consequence: frameshift variant.
Genome position (GRCh38, 1-based): chr13:23,340,716-23,340,717, AG deleted on the plus strand (CT on the coding strand, the reverse complement: SACS is on the minus strand); deleting any 2 consecutive bases within chr13:23,340,716-23,340,719 gives the same sequence; the c. name uses the placement nearest the transcript's 3' end. VCF-style (leftmost placement, unchanged base first): chr13-23340715-AAG-A. GRCh37 (hg19) VCF-style: chr13-23914854-AAG-A.
Other names: c.2718_2719del, p.Leu906_Phe907insTer (NM_001278055.2).
Identifiers: ClinVar variation 1320089 (VCV001320089.1), dbSNP rs2137637877, ClinGen allele CA2580614731.